The following is an entry in ClinVar:

NM_139215.3(TAF15):c.1446_1466del (p.479YGGDRGG[1])

Gene: TAF15 (TATA-box binding protein associated factor 15; plus strand). Cytogenetic location: 17q12.
Variant type: Deletion.
Coding change: c.1446_1466del on transcript NM_139215.3 (MANE Select); coding-DNA positions 1446 to 1466, 21 bases deleted (TCGAGGTGGCTATGGAGGAGA).
Protein change: p.479YGGDRGG[1].
Genome position (GRCh38, 1-based): chr17:35,844,745-35,844,765, TCGAGGTGGCTATGGAGGAGA deleted; deleting any 21 consecutive bases within chr17:35,844,726-35,844,765 gives the same sequence; the c. name uses the placement nearest the transcript's 3' end. VCF-style (leftmost placement, unchanged base first): chr17-35844725-GGAGGTGGCTATGGAGGAGATC-G. GRCh37 (hg19) VCF-style: chr17-34171729-GGAGGTGGCTATGGAGGAGATC-G.
Other names: c.1437_1457del, p.476YGGDRGG[1] (NM_003487.4).
Identifiers: ClinVar variation 3048059 (VCV003048059.2), dbSNP rs768963549, ClinGen allele CA290041466.

ClinVar aggregate classification (germline): Likely benign (0 of 4 stars; one submission).

Conditions:
TAF15-related disorder. Also called: TAF15-related condition.

Submission:

PreventionGenetics, part of Exact Sciences
Classification: Likely benign for TAF15-related condition. Last evaluated: 2019-03-20. Review status: no assertion criteria provided. Collection method: clinical testing. Allele origin: germline.
Comment: This variant is classified as likely benign based on ACMG/AMP sequence variant interpretation guidelines (Richards et al. 2015 PMID: 25741868, with internal and published modifications).